The following is an entry in ClinVar:

ClinVar aggregate classification (germline): Uncertain significance. Review status: criteria provided, multiple submitters, no conflicts (2 of 4 stars). 2 submissions from 2 submitters: Uncertain significance (2). Last evaluated 2024-05-08.

Conditions:
Dyskeratosis congenita, autosomal dominant 6 (DKCA6). Identifiers: Orphanet 3322, MedGen C4225284, MONDO:0014690, OMIM 616553.
Inborn genetic diseases. Identifiers: MedGen C0950123, MeSH D030342.

Allele frequency attached by ClinVar (database versions not stated): TOPMed below 0.00001; ExAC 0.00001; gnomAD 0.00001; ESP Exome Variant Server 0.00008.

Submissions (2):

Ambry Genetics
Classification: Uncertain significance for Inborn genetic diseases. Last evaluated: 2024-05-08. Review status: criteria provided, single submitter. Criteria: Ambry Variant Classification Scheme 2023. Collection method: clinical testing. Allele origin: germline.
Comment: The p.A22V variant (also known as c.65C>T), located in coding exon 1 of the ACD gene, results from a C to T substitution at nucleotide position 65. The alanine at codon 22 is replaced by valine, an amino acid with similar properties. This amino acid position is conserved. In addition, this alteration is predicted to be tolerated by in silico analysis. Since supporting evidence is limited at this time, the clinical significance of this alteration remains unclear.

Labcorp Genetics (formerly Invitae), Labcorp
Classification: Uncertain significance for Dyskeratosis congenita, autosomal dominant 6. Last evaluated: 2023-11-11. Review status: criteria provided, single submitter. Criteria: Invitae Variant Classification Sherloc (09022015). Collection method: clinical testing. Allele origin: germline.
Comment: This sequence change replaces alanine, which is neutral and non-polar, with valine, which is neutral and non-polar, at codon 22 of the ACD protein (p.Ala22Val). This variant is present in population databases (rs369698525, gnomAD 0.002%). This variant has not been reported in the literature in individuals affected with ACD-related conditions. ClinVar contains an entry for this variant (Variation ID: 1754407). Experimental studies and prediction algorithms are not available or were not evaluated, and the functional significance of this variant is currently unknown. In summary, the available evidence is currently insufficient to determine the role of this variant in disease. Therefore, it has been classified as a Variant of Uncertain Significance.

NC_000016.10:g.67660414G>A

Genes: ACD (ACD shelterin complex subunit and telomerase recruitment factor; minus strand), LOC130059224 (ATAC-STARR-seq lymphoblastoid silent region 7617; plus strand). Cytogenetic location: 16q22.1.
Variant type: single nucleotide variant.
Genome position: GRCh38 VCF-style: chr16-67660414-G-A. GRCh37 (hg19) VCF-style: chr16-67694317-G-A.
Other names: short protein forms A22V.
Identifiers: ClinVar variation 1754407 (VCV001754407.6), dbSNP rs369698525, ClinGen allele CA8114940.